The following is an entry in ClinVar:

ClinVar aggregate classification (germline): Pathogenic (0 of 4 stars; one submission).

Conditions:
Werdnig-Hoffmann disease (SMA1). Also called: SMA I; SMA, INFANTILE ACUTE FORM; HMN (Hereditary Motor Neuropathy) Proximal Type I; MUSCULAR ATROPHY, INFANTILE. Identifiers: Orphanet 83330, MedGen C5848259, MONDO:0009669, OMIM 253300. Disease mechanism: loss of function.

Submission:

Neurogenetics, Cyprus Institute of Neurology and Genetics
Classification: Pathogenic for Werdnig-Hoffmann disease. Last evaluated: 2022-09-01. Review status: no assertion criteria provided. Collection method: clinical testing. Allele origin: maternal. Inheritance: Autosomal recessive inheritance. Affected: yes.
Comment: SMN1 c.835-8_835-5delinsG, is a novel splice-site variant that was identified in compound heterozygosity with SMN1 exons 7/8 deletion. A disruptive effect of the variant on SMN1 splicing was confirmed by RNA studies which revealed complete absence of SMN1 exon 7 and compete loss of the functional SMN1-FL transcript expression. Therefore, the variant is classified as pathogenic.

NM_000344.4(SMN1):c.835-8_835-5delinsG

Gene: SMN1 (survival of motor neuron 1, telomeric). Cytogenetic location: 5q13.2.
Variant type: Indel.
Coding change: c.835-8_835-5delinsG on transcript NM_000344.4 (MANE Select); 8 bases into the intron before coding-DNA position 835 through 5 bases into the intron before coding-DNA position 835, the reference bases replaced by G.
Molecular consequence: intron variant.
Genome position: GRCh38 VCF-style: chr5-70951933-CCTT-G. GRCh37 (hg19) VCF-style: chr5-70247760-CCTT-G.
Other names: c.835-506_835-503delinsG (NM_001297715.1); c.739-8_739-5delinsG (NM_022874.2).
Identifiers: ClinVar variation 2571610 (VCV002571610.2), dbSNP rs2532151610, ClinGen allele CA2582341577.
Genomic context (GRCh38, chr5:70,951,933, plus strand): 5'-AGCTATCTATATATAGCTATCTATGTCTATATAGCTATTTTTTTTAACTTCCTTTATTTT[CCTT>G]ACAGGGTTTCAGACAAAATCAAAAAGAAGGAAGGTGCTCACATTCCTTAAATTAAGGAGT-3'